The following is an entry in ClinVar:

NM_000342.4(SLC4A1):c.2306T>G (p.Leu769Arg)

Gene: SLC4A1 (solute carrier family 4 member 1 (Diego blood group); minus strand). Cytogenetic location: 17q21.31.
Variant type: single nucleotide variant.
Coding change: c.2306T>G on transcript NM_000342.4 (MANE Select); coding-DNA position 2306, T replaced by G.
Protein change: p.Leu769Arg; replaces leucine 769 with arginine.
Molecular consequence: missense variant.
Genome position (GRCh38, 1-based): chr17:44,253,123, A>C on the plus strand (T>G on the coding strand, the complement: SLC4A1 is on the minus strand). VCF-style: chr17-44253123-A-C. GRCh37 (hg19) VCF-style: chr17-42330491-A-C.
Other names: short protein forms L769R.
Identifiers: ClinVar variation 4280054 (VCV004280054.1).

ClinVar aggregate classification (germline): Uncertain significance (1 of 4 stars; one submission).

Conditions:
Hereditary spherocytosis type 4. Also called: SLC4A1-Related Spherocytosis. Identifiers: Orphanet 822, MedGen C2675212, MONDO:0012981, OMIM 612653.

Submission:

Johns Hopkins Genomics, Johns Hopkins University
Classification: Uncertain significance for Hereditary spherocytosis type 4. Last evaluated: 2024-06-17. Review status: criteria provided, single submitter. Criteria: ACMG Guidelines, 2015. Collection method: clinical testing. Allele origin: germline.
Comment: This SLC4A1 missense variant is absent from a large population dataset and has not been reported in ClinVar nor the literature, to our knowledge. Two bioinformatic tools queried predict that this substitution would be damaging, but these algorithms have low specificity, especially for predicting gain of function or dominant negative variants. The leucine residue at this position is evolutionarily conserved across many of the species assessed. We consider the clinical significance of c.2306T>G in SLC4A1 to be uncertain at this time.

Literature cited by the submitters: PubMed 34335240; PubMed 36979763; PubMed 9233560.